The following is an entry in ClinVar:

ClinVar aggregate classification (germline): Pathogenic/Likely pathogenic. Review status: criteria provided, multiple submitters, no conflicts (2 of 4 stars). 4 submissions from 4 submitters: Pathogenic (1); Likely pathogenic (3). Last evaluated 2025-12-18.

Conditions:
Spastic paraplegia. Identifiers: MedGen C0037772, HP:0001258.
Charlevoix-Saguenay spastic ataxia (SACS). Also called: AUTOSOMAL RECESSIVE SPASTIC ATAXIA OF CHARLEVOIX-SAGUENAY; SPASTIC ATAXIA 6, AUTOSOMAL RECESSIVE; Spastic ataxia of Charlevoix-Saguenay. Identifiers: Orphanet 98, MedGen C1849140, MONDO:0010041, OMIM 270550.

Allele frequency attached by ClinVar (database versions not stated): gnomAD exomes below 0.00001; gnomAD 0.00001; TOPMed 0.00002.
gnomAD v4.1: 6 of 1,613,524 alleles (0.00037%); highest among the groups gnomAD compares: African/African-American, 0.0013%; no homozygotes.

Submissions (4):

Natera, Inc.
Classification: Likely pathogenic for Charlevoix-Saguenay type spastic ataxia. Last evaluated: 2025-12-18. Review status: criteria provided, single submitter. Criteria: Natera Variant Classification Schema (03/2026). Collection method: clinical testing. Allele origin: germline.
Comment: The c.3745C>T variant in SACS is a nonsense variant predicted to introduce a stop codon at amino acid 1249. This variant is expected to result in nonsense mediated decay, truncation, or a dysfunctional protein product. This variant is rare in the general population with a frequency below the threshold expected for the associated phenotype(s). Given the available evidence, this variant is classified as Likely Pathogenic.

GeneDx
Classification: Likely pathogenic. Last evaluated: 2024-10-24. Review status: criteria provided, single submitter. Criteria: GeneDx Variant Classification Process June 2021. Collection method: clinical testing. Allele origin: germline. Affected: yes.
Comment: Nonsense variant predicted to result in protein truncation, as the last 3331 amino acids are lost, and other loss-of-function variants have been reported downstream in HGMD; Not observed at significant frequency in large population cohorts (gnomAD); This variant is associated with the following publications: (PMID: 35982159, 35982160)

Baylor Genetics
Classification: Likely pathogenic for Charlevoix-Saguenay spastic ataxia. Last evaluated: 2024-03-11. Review status: criteria provided, single submitter. Criteria: ACMG Guidelines, 2015. Collection method: clinical testing. Allele origin: unknown.

Labcorp Genetics (formerly Invitae), Labcorp
Classification: Pathogenic for Spastic paraplegia. Last evaluated: 2024-01-04. Review status: criteria provided, single submitter. Criteria: Invitae Variant Classification Sherloc (09022015). Collection method: clinical testing. Allele origin: germline.
Comment: This sequence change creates a premature translational stop signal (p.Gln1249*) in the SACS gene. While this is not anticipated to result in nonsense mediated decay, it is expected to disrupt the last 3331 amino acid(s) of the SACS protein. This variant is present in population databases (no rsID available, gnomAD 0.0009%). This variant has not been reported in the literature in individuals affected with SACS-related conditions. This variant disrupts a region of the SACS protein in which other variant(s) (p.Tyr4538*) have been determined to be pathogenic (Invitae). This suggests that this is a clinically significant region of the protein, and that variants that disrupt it are likely to be disease-causing. For these reasons, this variant has been classified as Pathogenic.

NM_014363.6(SACS):c.3745C>T (p.Gln1249Ter)

Gene: SACS (sacsin molecular chaperone; minus strand). Cytogenetic location: 13q12.12.
Variant type: single nucleotide variant.
Coding change: c.3745C>T on transcript NM_014363.6 (MANE Select); coding-DNA position 3745, C replaced by T.
Protein change: p.Gln1249Ter; replaces glutamine 1249 with a stop codon.
Molecular consequence: nonsense.
Genome position (GRCh38, 1-based): chr13:23,340,131, G>A on the plus strand (C>T on the coding strand, the complement: SACS is on the minus strand). VCF-style: chr13-23340131-G-A. GRCh37 (hg19) VCF-style: chr13-23914270-G-A.
Other names: c.3304C>T, p.Gln1102Ter (NM_001278055.2); c.3745C>T (NM_014363.4, NM_014363.5); short protein forms Q1249*, Q1102*.
Identifiers: ClinVar variation 1437874 (VCV001437874.10), dbSNP rs1027429746, ClinGen allele CA246661944.